The following is an entry in ClinVar:

NM_006892.4(DNMT3B):c.1754C>T (p.Ala585Val)

Genes: DNMT3B (DNA methyltransferase 3 beta; plus strand), LOC126863014 (CDK7 strongly-dependent group 2 enhancer GRCh37_chr20:31385992-31387191; plus strand). Cytogenetic location: 20q11.21.
Variant type: single nucleotide variant.
Coding change: c.1754C>T on transcript NM_006892.4 (MANE Select); coding-DNA position 1754, C replaced by T.
Protein change: p.Ala585Val; replaces alanine 585 with valine.
Molecular consequence: missense variant.
Genome position (GRCh38, 1-based): chr20:32,799,323, C>T. VCF-style: chr20-32799323-C-T. GRCh37 (hg19) VCF-style: chr20-31387129-C-T.
Other names: c.1568C>T, p.Ala523Val (NM_001207055.2); c.1466C>T, p.Ala489Val (NM_001207056.2); c.1694C>T, p.Ala565Val (NM_175848.2, NM_175849.2); c.1730C>T, p.Ala577Val (NM_175850.3); short protein forms A489V, A523V, A565V, A577V, A585V.
Identifiers: ClinVar variation 2197303 (VCV002197303.8), dbSNP rs1981037102, ClinGen allele CA408587931.

ClinVar aggregate classification (germline): Conflicting classifications of pathogenicity. Review status: criteria provided, conflicting classifications (1 of 4 stars). 3 submissions from 3 submitters: Likely pathogenic (2); Uncertain significance (1). Last evaluated 2025-08-30.

Conditions:
DNMT3B-related disorders.
Centromeric instability of chromosomes 1,9 and 16 and immunodeficiency (ICF1). Also called: IMMUNE DEFICIENCY, VARIABLE, WITH CENTROMERIC INSTABILITY OF CHROMOSOMES 1, 9, AND 16; IMMUNODEFICIENCY SYNDROME, VARIABLE; Immunodeficiency-centromeric instability-facial anomalies; CENTROMERIC INSTABILITY, IMMUNODEFICIENCY SYNDROME. Identifiers: Orphanet 2268, MedGen C0398788, MONDO:0000133.

Allele frequency attached by ClinVar (database versions not stated): gnomAD exomes below 0.00001; TOPMed below 0.00001; gnomAD 0.00001.
gnomAD v4.1: 4 of 1,612,406 alleles (0.00025%); highest among the groups gnomAD compares: Admixed American, 0.0017%; no homozygotes.

Submissions (3):

Labcorp Genetics (formerly Invitae), Labcorp
Classification: Likely pathogenic for Centromeric instability of chromosomes 1,9 and 16 and immunodeficiency. Last evaluated: 2025-08-30. Review status: criteria provided, single submitter. Criteria: Invitae Variant Classification Sherloc (09022015). Collection method: clinical testing. Allele origin: germline.
Comment: This sequence change replaces alanine, which is neutral and non-polar, with valine, which is neutral and non-polar, at codon 585 of the DNMT3B protein (p.Ala585Val). This variant is not present in population databases (gnomAD no frequency). This missense change has been observed in individual(s) with immunodeficiency, centromeric instability, and facial anomalies syndrome (PMID: 11038463, 11102980; internal data). ClinVar contains an entry for this variant (Variation ID: 2197303). Invitae Evidence Modeling of protein sequence and biophysical properties (such as structural, functional, and spatial information, amino acid conservation, physicochemical variation, residue mobility, and thermodynamic stability) indicates that this missense variant is expected to disrupt DNMT3B protein function with a positive predictive value of 95%. This variant disrupts the p.Ala585 amino acid residue in DNMT3B. Other variant(s) that disrupt this residue have been observed in individuals with DNMT3B-related conditions (PMID: 11102980, 27734333), which suggests that this may be a clinically significant amino acid residue. In summary, the currently available evidence indicates that the variant is pathogenic, but additional data are needed to prove that conclusively. Therefore, this variant has been classified as Likely Pathogenic.

Women's Health and Genetics/Laboratory Corporation of America, LabCorp
Classification: Uncertain significance. Last evaluated: 2025-08-01. Review status: criteria provided, single submitter. Criteria: LabCorp Variant Classification Summary - May 2015. Collection method: clinical testing. Allele origin: germline.
Comment: Variant summary: DNMT3B c.1754C>T (p.Ala585Val) results in a non-conservative amino acid change located in the C-5 cytosine-specific DNA methylase (Dnmt) domain profile (IPR001525) of the encoded protein sequence. Algorithms developed to predict the effect of missense changes on protein structure and function all suggest that this variant is likely to be disruptive. The variant was absent in 247668 control chromosomes. c.1754C>T has been reported in the literature in a homozygous and compound heterozygous state individuals affected with ICF Syndrome, Type 1 (Bjorck_2000, Wijmenga_2000, internal data) These data indicate that the variant may be associated with disease. To our knowledge, no experimental evidence demonstrating an impact on protein function has been reported. The following publications have been ascertained in the context of this evaluation (PMID: 11038463, 11102980). ClinVar contains an entry for this variant (Variation ID: 2197303). Based on the evidence outlined above, the variant was classified as VUS-possibly pathogenic.

Blueprint Genetics
Classification: Likely pathogenic for DNMT3B-related disorders. Last evaluated: 2024-04-25. Review status: criteria provided, single submitter. Criteria: ACMG Guidelines, 2015. Collection method: clinical testing. Allele origin: germline. Affected: yes. Observed: 3 variant alleles.

Literature cited by the submitters: PubMed 11038463 (cited by Labcorp Genetics (formerly Invitae), Labcorp and Women's Health and Genetics/Laboratory Corporation of America, LabCorp); PubMed 11102980 (cited by Labcorp Genetics (formerly Invitae), Labcorp and Women's Health and Genetics/Laboratory Corporation of America, LabCorp); PubMed 27734333 (cited by Labcorp Genetics (formerly Invitae), Labcorp).